The following is an entry in ClinVar:

NM_001128205.2(SULF1):c.1457G>A (p.Arg486Gln)

Gene: SULF1 (sulfatase 1; plus strand). Cytogenetic location: 8q13.3.
Variant type: single nucleotide variant.
Coding change: c.1457G>A on transcript NM_001128205.2 (MANE Select); coding-DNA position 1457, G replaced by A.
Protein change: p.Arg486Gln; replaces arginine 486 with glutamine.
Molecular consequence: missense variant. On other transcripts: non-coding transcript variant (3).
Genome position (GRCh38, 1-based): chr8:69,621,114, G>A. VCF-style: chr8-69621114-G-A. GRCh37 (hg19) VCF-style: chr8-70533349-G-A.
Other names: c.1457G>A (NM_001128205.1); c.1457G>A, p.Arg486Gln (NM_001128204.2, NM_001128206.2, NM_015170.3); short protein forms R486Q.
Identifiers: ClinVar variation 1512458 (VCV001512458.9), dbSNP rs1352918546, ClinGen allele CA371229184.
Genomic context (GRCh38, chr8:69,621,114, plus strand): 5'-ATACATCTGGCAAGCTTCGAATTCACAAGTGTAAAGGACCCAGTGACCTGCTCACAGTCC[G>A]GCAGAGCACGCGGAACCTCTACGCTCGCGGCTTCCATGACAAAGACAAAGAGTGCAGTTG-3'
Protein context (NP_001121677.1, residues 476-496): CKGPSDLLTV[Arg486Gln]QSTRNLYARG

ClinVar aggregate classification (germline): Uncertain significance. Review status: criteria provided, multiple submitters, no conflicts (2 of 4 stars). 2 submissions from 2 submitters: Uncertain significance (2). Last evaluated 2024-11-07.

Allele frequency attached by ClinVar (database versions not stated): gnomAD exomes below 0.00001 and 0.00001; gnomAD 0.00001; TOPMed 0.00002.
gnomAD v4.1: 21 of 1,613,940 alleles (0.0013%); highest among the groups gnomAD compares: Middle Eastern, 0.016%; no homozygotes.

Submissions (2):

Labcorp Genetics (formerly Invitae), Labcorp
Classification: Uncertain significance. Last evaluated: 2024-11-07. Review status: criteria provided, single submitter. Criteria: Invitae Variant Classification Sherloc (09022015). Collection method: clinical testing. Allele origin: germline.
Comment: This sequence change replaces arginine, which is basic and polar, with glutamine, which is neutral and polar, at codon 486 of the SULF1 protein (p.Arg486Gln). This variant is present in population databases (no rsID available, gnomAD 0.0009%). This variant has not been reported in the literature in individuals affected with SULF1-related conditions. ClinVar contains an entry for this variant (Variation ID: 1512458). An algorithm developed to predict the effect of missense changes on protein structure and function (PolyPhen-2) suggests that this variant is likely to be tolerated. In summary, the available evidence is currently insufficient to determine the role of this variant in disease. Therefore, it has been classified as a Variant of Uncertain Significance.

Ambry Genetics
Classification: Uncertain significance. Last evaluated: 2024-09-03. Review status: criteria provided, single submitter. Criteria: Ambry Variant Classification Scheme 2023. Collection method: clinical testing. Allele origin: germline.